The following is an entry in ClinVar:

NM_001376013.1(EPB41):c.741del (p.Glu248fs)

Gene: EPB41 (erythrocyte membrane protein band 4.1; plus strand). Cytogenetic location: 1p35.3.
Variant type: Deletion.
Coding change: c.741del on transcript NM_001376013.1 (MANE Select); coding-DNA position 741, one base deleted (A; older notation c.741delA).
Protein change: p.Glu248fs; shifts the reading frame from glutamic acid 248.
Molecular consequence: frameshift variant. On other transcripts: intron variant (1).
Genome position (GRCh38, 1-based): chr1:28,997,274, A deleted; the last of 2 consecutive A bases (chr1:28,997,273-28,997,274); deleting either gives the same sequence. VCF-style (leftmost placement, unchanged base first): chr1-28997272-GA-G. GRCh37 (hg19) VCF-style: chr1-29323784-GA-G.
Other names: c.741del, p.Glu248fs (NM_001166005.2, NM_001166006.2, NM_001376014.1 and 7 more transcripts); c.114del, p.Glu39fs (NM_001166007.2, NM_001376022.1, NM_001376023.1 and 7 more transcripts); c.681+3732del (NM_203343.3); short protein forms E248fs, E39fs.
Identifiers: ClinVar variation 3766780 (VCV003766780.1).
Genomic context (GRCh38, chr1:28,997,272, plus strand): 5'-CAGAAACATGCTAAGGGACAAGATTTGCTTAAACGAGTATGTGAGCATCTCAATCTTTTG[GA>G]AGAAGACTATTTTGGTCTAGCCATTTGGGATAACGCAACCTCTAAGGTGAGGAGACTGCT-3'

ClinVar aggregate classification (germline): Pathogenic (1 of 4 stars; one submission).

Conditions:
Elliptocytosis 1 (EL1). Also called: 4.1- TRAIT; 4.1-MINUS TRAIT; ELLIPTOCYTOSIS, RHESUS-LINKED TYPE; PROTEIN 4.1 OF ERYTHROCYTE MEMBRANE, DEFECT OF. Identifiers: Orphanet 288, MedGen C2678497, MONDO:0012731, OMIM 611804.

Submission:

ARUP Laboratories, Molecular Genetics and Genomics, ARUP Laboratories
Classification: Pathogenic for Elliptocytosis 1. Last evaluated: 2024-08-13. Review status: criteria provided, single submitter. Criteria: ARUP Molecular Germline Variant Investigation Process 2024. Collection method: clinical testing. Allele origin: germline.
Comment: The EPB41 c.114del; p.Glu39LysfsTer6 variant, to our knowledge, is not reported in the medical literature or gene specific databases. This variant is also absent from the Genome Aggregation Database (v2.1.1), indicating it is not a common polymorphism. This variant causes a frameshift by deleting a single nucleotide, so it is predicted to result in a truncated protein or mRNA subject to nonsense-mediated decay. Based on available information, this variant is considered to be pathogenic.